The following is an entry in ClinVar:

NM_001127511.3(APC):c.166-29203A>G

Gene: APC (APC regulator of Wnt signaling pathway; plus strand). Cytogenetic location: 5q22.2.
Variant type: single nucleotide variant.
Coding change: c.166-29203A>G on transcript NM_001127511.3; 29203 bases into the intron before coding-DNA position 166, A replaced by G.
Molecular consequence: intron variant.
Genome position (GRCh38, 1-based): chr5:112,737,123, A>G. VCF-style: chr5-112737123-A-G. GRCh37 (hg19) VCF-style: chr5-112072820-A-G.
Other names: c.-1053-17750A>G (NM_001407470.1, NM_001407472.1); c.-18-17750A>G (NM_001407447.1, NM_001354895.2, NM_001407456.1 and 7 more transcripts); c.166-29203A>G (NM_001407446.1, NM_001354897.2, NM_001354902.2); c.-42-29203A>G (NM_001407453.1).
Identifiers: ClinVar variation 3031191 (VCV003031191.2), dbSNP rs985307954, ClinGen allele CA124948313.

ClinVar aggregate classification (germline): Likely benign (0 of 4 stars; one submission).

Conditions:
APC-related disorder. Also called: APC-related condition.

Allele frequency attached by ClinVar (database versions not stated): TOPMed 0.00009; gnomAD 0.00006.
gnomAD v4.1: 9 of 152,238 alleles (0.0059%); highest among the groups gnomAD compares: Non-Finnish European, 0.0088%; no homozygotes.

Submission:

PreventionGenetics, part of Exact Sciences
Classification: Likely benign for APC-related condition. Last evaluated: 2020-11-06. Review status: no assertion criteria provided. Collection method: clinical testing. Allele origin: germline.
Comment: This variant is classified as likely benign based on ACMG/AMP sequence variant interpretation guidelines (Richards et al. 2015 PMID: 25741868, with internal and published modifications).